The following is an entry in ClinVar:

NM_024422.6(DSC2):c.1886A>G (p.Asn629Ser)

Gene: DSC2 (desmocollin 2; minus strand). Cytogenetic location: 18q12.1.
Variant type: single nucleotide variant.
Coding change: c.1886A>G on transcript NM_024422.6 (MANE Select); coding-DNA position 1886, A replaced by G.
Protein change: p.Asn629Ser; replaces asparagine 629 with serine.
Molecular consequence: missense variant.
Genome position (GRCh38, 1-based): chr18:31,074,685, T>C on the plus strand (A>G on the coding strand, the complement: DSC2 is on the minus strand). VCF-style: chr18-31074685-T-C. GRCh37 (hg19) VCF-style: chr18-28654651-T-C.
Other names: c.1457A>G, p.Asn486Ser (NM_001406506.1, NM_001406507.1); c.1886A>G, p.Asn629Ser (NM_004949.5); short protein forms N486S, N629S.
Identifiers: ClinVar variation 4707518 (VCV004707518.1).
Genomic context (GRCh38, chr18:31,074,685, plus strand): 5'-AAAGTATCGCAGACATCCTGATGTTGAAAAGGACAAAGCAATTTTCAAAAATATATACCA[T>C]TAATTGCTTTCAGTCTCCACATTCTCTGTACTTCTGAAGTAGAACTCTCCAGACTAAAGT-3'
Protein context (NP_077740.1, residues 619-639): VQRMWRLKAI[Asn629Ser]DTAARLSYQN

ClinVar aggregate classification (germline): Uncertain significance (1 of 4 stars; one submission).

Conditions:
Arrhythmogenic right ventricular dysplasia 11. Also called: ARRHYTHMOGENIC RIGHT VENTRICULAR DYSPLASIA, FAMILIAL, 11; Arrhythmogenic Right Ventricular Dysplasia/Cardiomyopathy11; Arrhythmogenic right ventricular dysplasia 11 with mild palmoplantar keratoderma and woolly hair. Identifiers: MedGen C1864850, MONDO:0012506, OMIM 610476.

Submission:

Labcorp Genetics (formerly Invitae), Labcorp
Classification: Uncertain significance for Arrhythmogenic right ventricular dysplasia 11. Last evaluated: 2025-10-16. Review status: criteria provided, single submitter. Criteria: Invitae Variant Classification Sherloc (09022015). Collection method: clinical testing. Allele origin: germline.
Comment: This sequence change replaces asparagine, which is neutral and polar, with serine, which is neutral and polar, at codon 629 of the DSC2 protein (p.Asn629Ser). This variant is not present in population databases (gnomAD no frequency). This variant has not been reported in the literature in individuals affected with DSC2-related conditions. An algorithm developed to predict the effect of missense changes on protein structure and function (PolyPhen-2) suggests that this variant is likely to be tolerated. In summary, the available evidence is currently insufficient to determine the role of this variant in disease. Therefore, it has been classified as a Variant of Uncertain Significance.